The following is an entry in ClinVar:

NM_012470.4(TNPO3):c.1814C>G (p.Ser605Cys)

Gene: TNPO3 (transportin 3; minus strand). Cytogenetic location: 7q32.1.
Variant type: single nucleotide variant.
Coding change: c.1814C>G on transcript NM_012470.4 (MANE Select); coding-DNA position 1814, C replaced by G.
Protein change: p.Ser605Cys; replaces serine 605 with cysteine.
Molecular consequence: missense variant. On other transcripts: non-coding transcript variant (16).
Genome position (GRCh38, 1-based): chr7:128,982,293, G>C on the plus strand (C>G on the coding strand, the complement: TNPO3 is on the minus strand). VCF-style: chr7-128982293-G-C. GRCh37 (hg19) VCF-style: chr7-128622347-G-C.
Other names: c.1622C>G, p.Ser541Cys (NM_001191028.3, NM_001382223.1); c.1916C>G, p.Ser639Cys (NM_001382216.1); c.1895C>G, p.Ser632Cys (NM_001382217.1); c.1814C>G, p.Ser605Cys (NM_001382218.1, NM_001382220.1); c.1706C>G, p.Ser569Cys (NM_001382219.1); c.1670C>G, p.Ser557Cys (NM_001382221.1); c.1667C>G, p.Ser556Cys (NM_001382222.1); short protein forms S605C, S541C, S556C, S557C, S569C, S632C, S639C.
Identifiers: ClinVar variation 844534 (VCV000844534.8), dbSNP rs775917042, ClinGen allele CA4478051.
Genomic context (GRCh38, chr7:128,982,293, plus strand): 5'-AGTCTCCTTTCTTACCTAAATATCACTGCAAGGCGATCTAAGAACACTGTGGGATCTGAG[G>C]ATATGCCATTGCTGGGCTCTTGAGACAACAGCTGAAGAGACAAAAGGACATTAACACCCA-3'
Protein context (NP_036602.1, residues 595-615): LLSQEPSNGI[Ser605Cys]SDPTVFLDRL

ClinVar aggregate classification (germline): Uncertain significance (1 of 4 stars; one submission).

Conditions:
Autosomal dominant limb-girdle muscular dystrophy type 1F (LGMDD2). Also called: Limb-girdle muscular dystrophy, type 1F; MUSCULAR DYSTROPHY, LIMB-GIRDLE, AUTOSOMAL DOMINANT 2. Identifiers: Orphanet 55595, MedGen C1842062, MONDO:0012034, OMIM 608423.

Allele frequency attached by ClinVar (database versions not stated): gnomAD 0.00001; TOPMed 0.00001; ExAC 0.00004; gnomAD exomes 0.00004.
gnomAD v4.1: 109 of 1,613,280 alleles (0.0068%); highest among the groups gnomAD compares: Non-Finnish European, 0.0091%; no homozygotes.

Submission:

Labcorp Genetics (formerly Invitae), Labcorp
Classification: Uncertain significance for Autosomal dominant limb-girdle muscular dystrophy type 1F. Last evaluated: 2025-10-08. Review status: criteria provided, single submitter. Criteria: Invitae Variant Classification Sherloc (09022015). Collection method: clinical testing. Allele origin: germline.
Comment: This sequence change replaces serine, which is neutral and polar, with cysteine, which is neutral and slightly polar, at codon 605 of the TNPO3 protein (p.Ser605Cys). This variant is present in population databases (rs775917042, gnomAD 0.007%). This variant has not been reported in the literature in individuals affected with TNPO3-related conditions. ClinVar contains an entry for this variant (Variation ID: 844534). Invitae Evidence Modeling of protein sequence and biophysical properties (such as structural, functional, and spatial information, amino acid conservation, physicochemical variation, residue mobility, and thermodynamic stability) indicates that this missense variant is not expected to disrupt TNPO3 protein function with a negative predictive value of 80%. In summary, the available evidence is currently insufficient to determine the role of this variant in disease. Therefore, it has been classified as a Variant of Uncertain Significance.